The following is an entry in ClinVar:

NM_175875.5(SIX5):c.1537C>T (p.Pro513Ser)

Gene: SIX5 (SIX homeobox 5; minus strand). Cytogenetic location: 19q13.32.
Variant type: single nucleotide variant.
Coding change: c.1537C>T on transcript NM_175875.5 (MANE Select); coding-DNA position 1537, C replaced by T.
Protein change: p.Pro513Ser; replaces proline 513 with serine.
Molecular consequence: missense variant.
Genome position (GRCh38, 1-based): chr19:45,766,422, G>A on the plus strand (C>T on the coding strand, the complement: SIX5 is on the minus strand). VCF-style: chr19-45766422-G-A. GRCh37 (hg19) VCF-style: chr19-46269680-G-A.
Other names: short protein forms P513S.
Identifiers: ClinVar variation 1466053 (VCV001466053.8), dbSNP rs1326345063, ClinGen allele CA406417516.

ClinVar aggregate classification (germline): Uncertain significance (1 of 4 stars; one submission).

Allele frequency attached by ClinVar (database versions not stated): gnomAD exomes below 0.00001; gnomAD 0.00001; TOPMed 0.00001.

Submission:

Labcorp Genetics (formerly Invitae), Labcorp
Classification: Uncertain significance. Last evaluated: 2022-10-25. Review status: criteria provided, single submitter. Criteria: Invitae Variant Classification Sherloc (09022015). Collection method: clinical testing. Allele origin: germline.
Comment: This sequence change replaces proline, which is neutral and non-polar, with serine, which is neutral and polar, at codon 513 of the SIX5 protein (p.Pro513Ser). Advanced modeling of protein sequence and biophysical properties (such as structural, functional, and spatial information, amino acid conservation, physicochemical variation, residue mobility, and thermodynamic stability) performed at Invitae indicates that this missense variant is not expected to disrupt SIX5 protein function. ClinVar contains an entry for this variant (Variation ID: 1466053). This variant has not been reported in the literature in individuals affected with SIX5-related conditions. This variant is present in population databases (no rsID available, gnomAD 0.001%). In summary, the available evidence is currently insufficient to determine the role of this variant in disease. Therefore, it has been classified as a Variant of Uncertain Significance.